The following is an entry in ClinVar:

NM_004999.4(MYO6):c.3256C>T (p.Arg1086Cys)

Gene: MYO6 (myosin VI; plus strand). Cytogenetic location: 6q14.1.
Variant type: single nucleotide variant.
Coding change: c.3256C>T on transcript NM_004999.4 (MANE Select); coding-DNA position 3256, C replaced by T.
Protein change: p.Arg1086Cys; replaces arginine 1086 with cysteine.
Molecular consequence: missense variant. On other transcripts: non-coding transcript variant (1).
Genome position (GRCh38, 1-based): chr6:75,907,684, C>T. VCF-style: chr6-75907684-C-T. GRCh37 (hg19) VCF-style: chr6-76617401-C-T.
Other names: c.3187C>T, p.Arg1063Cys (NM_001300899.2, NM_001368136.1); c.3244C>T, p.Arg1082Cys (NM_001368137.1); c.3172C>T, p.Arg1058Cys (NM_001368138.1); c.3283C>T, p.Arg1095Cys (NM_001368865.1, NM_001368866.1); short protein forms R1095C, R1058C, R1063C, R1082C, R1086C.
Identifiers: ClinVar variation 4747696 (VCV004747696.1).

ClinVar aggregate classification (germline): Uncertain significance (1 of 4 stars; one submission).

gnomAD v4.1: 3 of 1,612,266 alleles (0.00019%); highest among the groups gnomAD compares: East Asian, 0.0045%; no homozygotes.

Submission:

Labcorp Genetics (formerly Invitae), Labcorp
Classification: Uncertain significance. Last evaluated: 2025-11-19. Review status: criteria provided, single submitter. Criteria: Invitae Variant Classification Sherloc (09022015). Collection method: clinical testing. Allele origin: germline.
Comment: This sequence change replaces arginine, which is basic and polar, with cysteine, which is neutral and slightly polar, at codon 1086 of the MYO6 protein (p.Arg1086Cys). This variant is not present in population databases (gnomAD no frequency). This variant has not been reported in the literature in individuals affected with MYO6-related conditions. Invitae Evidence Modeling of protein sequence and biophysical properties (such as structural, functional, and spatial information, amino acid conservation, physicochemical variation, residue mobility, and thermodynamic stability) indicates that this missense variant is expected to disrupt MYO6 protein function with a positive predictive value of 80%. Algorithms developed to predict the effect of sequence changes on RNA splicing suggest that this variant may disrupt the consensus splice site. In summary, the available evidence is currently insufficient to determine the role of this variant in disease. Therefore, it has been classified as a Variant of Uncertain Significance.